The following is an entry in ClinVar:

ClinVar aggregate classification (germline): Conflicting classifications of pathogenicity. Review status: criteria provided, conflicting classifications (1 of 4 stars). 3 submissions from 3 submitters: Uncertain significance (2); Likely benign (1). Last evaluated 2026-06-09.

Conditions:
Cardiovascular phenotype. Identifiers: MedGen CN230736.
RASopathy. Also called: Noonan spectrum disorder; rasopathies. Identifiers: Orphanet 536391, MedGen C5555857, MONDO:0021060.

Allele frequency attached by ClinVar (database versions not stated): TOPMed below 0.00001; gnomAD 0.00001; gnomAD exomes below 0.00001.
gnomAD v4.1: 2 of 1,614,066 alleles (0.00012%); highest among the groups gnomAD compares: African/African-American, 0.0027%; no homozygotes.

Submissions (3):

Ambry Genetics
Classification: Uncertain significance for Cardiovascular phenotype. Last evaluated: 2026-06-09. Review status: criteria provided, single submitter. Criteria: Ambry Variant Classification Scheme 2023. Collection method: clinical testing. Allele origin: germline.
Comment: The p.S87G variant (also known as c.259A>G), located in coding exon 3 of the BRAF gene, results from an A to G substitution at nucleotide position 259. The serine at codon 87 is replaced by glycine, an amino acid with similar properties. This amino acid position is conserved. In addition, the in silico prediction for this alteration is inconclusive. Based on the available evidence, the clinical significance of this variant remains unclear.

Labcorp Genetics (formerly Invitae), Labcorp
Classification: Uncertain significance for RASopathy. Last evaluated: 2025-04-17. Review status: criteria provided, single submitter. Criteria: Invitae Variant Classification Sherloc (09022015). Collection method: clinical testing. Allele origin: germline.
Comment: This sequence change replaces serine, which is neutral and polar, with glycine, which is neutral and non-polar, at codon 87 of the BRAF protein (p.Ser87Gly). This variant is not present in population databases (gnomAD no frequency). This variant has not been reported in the literature in individuals affected with BRAF-related conditions. ClinVar contains an entry for this variant (Variation ID: 234429). Invitae Evidence Modeling of protein sequence and biophysical properties (such as structural, functional, and spatial information, amino acid conservation, physicochemical variation, residue mobility, and thermodynamic stability) has been performed for this missense variant. However, the output from this modeling did not meet the statistical confidence thresholds required to predict the impact of this variant on BRAF protein function. In summary, the available evidence is currently insufficient to determine the role of this variant in disease. Therefore, it has been classified as a Variant of Uncertain Significance.

GeneDx
Classification: Likely benign. Last evaluated: 2019-04-30. Review status: criteria provided, single submitter. Criteria: GeneDx Variant Classification Process June 2021. Collection method: clinical testing. Allele origin: germline. Affected: yes.

NM_004333.6(BRAF):c.259A>G (p.Ser87Gly)

Gene: BRAF (B-Raf proto-oncogene, serine/threonine kinase; minus strand). Cytogenetic location: 7q34.
Variant type: single nucleotide variant.
Coding change: c.259A>G on transcript NM_004333.6 (MANE Select); coding-DNA position 259, A replaced by G.
Protein change: p.Ser87Gly; replaces serine 87 with glycine.
Molecular consequence: missense variant. On other transcripts: intron variant (1).
Genome position (GRCh38, 1-based): chr7:140,834,854, T>C on the plus strand (A>G on the coding strand, the complement: BRAF is on the minus strand). VCF-style: chr7-140834854-T-C. GRCh37 (hg19) VCF-style: chr7-140534654-T-C.
Other names: c.259A>G, p.Ser87Gly (NM_001354609.2, NM_001374244.1, NM_001374258.1 and 5 more transcripts); c.157A>G, p.Ser53Gly (NM_001378470.1); c.103A>G, p.Ser35Gly (NM_001378472.1, NM_001378473.1); c.240+15257A>G (NM_001378475.1); short protein forms S87G, S35G, S53G.
Identifiers: ClinVar variation 234429 (VCV000234429.6), dbSNP rs876661018, ClinGen allele CA10577327.
Genomic context (GRCh38, chr7:140,834,854, plus strand): 5'-TTCCGTTCCCCAGAGATTCCAATAACTGTTGTTCTCTTTGTTGGAGTGCATCTAGCTTGC[T>C]GGTGTATTCTTCATAGGCCTATAAAATAAAGCAGACTTATATTCAATCCGGACTTTGTCC-3'
Protein context (NP_004324.2, residues 77-97): IYLEAYEEYT[Ser87Gly]KLDALQQREQ